The following is an entry in ClinVar:

ClinVar aggregate classification (germline): Uncertain significance. Review status: criteria provided, multiple submitters, no conflicts (2 of 4 stars). 2 submissions from 2 submitters: Uncertain significance (2). Last evaluated 2024-04-09.

Conditions:
GNE myopathy (NM). Also called: IBM 2; Inclusion body myopathy autosomal recessive; MYOPATHY, DISTAL, WITH OR WITHOUT RIMMED VACUOLES; INCLUSION BODY MYOPATHY, HEREDITARY, AUTOSOMAL RECESSIVE; INCLUSION BODY MYOPATHY 2, AUTOSOMAL RECESSIVE; Inclusion body myopathy quadriceps sparing. Identifiers: Orphanet 602, MedGen C1853926, MONDO:0011603, OMIM 605820.
Sialuria. Also called: Sialic Acid Storage Disease; SIALURIA, FRENCH TYPE. Identifiers: Orphanet 3166, MedGen C0342853, MONDO:0010028, OMIM 269921.

Submissions (2):

Labcorp Genetics (formerly Invitae), Labcorp
Classification: Uncertain significance for Sialuria; GNE myopathy. Last evaluated: 2024-04-09. Review status: criteria provided, single submitter. Criteria: Invitae Variant Classification Sherloc (09022015). Collection method: clinical testing. Allele origin: germline.
Comment: This sequence change replaces histidine, which is basic and polar, with arginine, which is basic and polar, at codon 583 of the GNE protein (p.His583Arg). This variant is not present in population databases (gnomAD no frequency). This missense change has been observed in individual(s) with GNE-related myopathy (PMID: 29480215). ClinVar contains an entry for this variant (Variation ID: 2585156). Advanced modeling of protein sequence and biophysical properties (such as structural, functional, and spatial information, amino acid conservation, physicochemical variation, residue mobility, and thermodynamic stability) has been performed at Invitae for this missense variant, however the output from this modeling did not meet the statistical confidence thresholds required to predict the impact of this variant on GNE protein function. In summary, the available evidence is currently insufficient to determine the role of this variant in disease. Therefore, it has been classified as a Variant of Uncertain Significance.

Neuberg Centre For Genomic Medicine, NCGM
Classification: Uncertain significance for GNE myopathy. Review status: criteria provided, single submitter. Criteria: ACMG Guidelines, 2015. Collection method: clinical testing. Allele origin: germline. Inheritance: Autosomal recessive inheritance. Affected: yes.
Comment: The missense c.1655A>G (p.His552Arg) variant in GNE gene has not been reported previously as a pathogenic variant nor as a benign variant, to our knowledge. The variant is novel (not in any individuals) in gnomAD Exomes and 1000 Genomes. The amino acid His at position 552 is changed to a Arg changing protein sequence and it might alter its composition and physico-chemical properties. The amino acid change p.His552Arg in GNE is predicted as conserved by GERP++ and PhyloP across 100 vertebrates. For these reasons, this variant has been classified as Uncertain Significance.

Literature cited by the submitters: PubMed 29480215 (cited by Labcorp Genetics (formerly Invitae), Labcorp).

NM_005476.7(GNE):c.1655A>G (p.His552Arg)

Gene: GNE (glucosamine (UDP-N-acetyl)-2-epimerase/N-acetylmannosamine kinase; minus strand). Cytogenetic location: 9p13.3.
Variant type: single nucleotide variant.
Coding change: c.1655A>G on transcript NM_005476.7 (MANE Select); coding-DNA position 1655, A replaced by G.
Protein change: p.His552Arg; replaces histidine 552 with arginine.
Molecular consequence: missense variant.
Genome position (GRCh38, 1-based): chr9:36,219,999, T>C on the plus strand (A>G on the coding strand, the complement: GNE is on the minus strand). VCF-style: chr9-36219999-T-C. GRCh37 (hg19) VCF-style: chr9-36219996-T-C.
Other names: c.1325A>G, p.His442Arg (NM_001190384.3); c.1478A>G, p.His493Arg (NM_001190388.2, NM_001374798.1); c.1502A>G, p.His501Arg (NM_001374797.1); c.1748A>G, p.His583Arg (NM_001128227.3); c.1433A>G, p.His478Arg (NM_001190383.3); short protein forms H442R, H478R, H501R, H552R, H583R, H493R.
Identifiers: ClinVar variation 2585156 (VCV002585156.3), dbSNP rs2489605258, ClinGen allele CA373425861.
Genomic context (GRCh38, chr9:36,219,999, plus strand): 5'-ACAACAAGGTGGCCCAGTTCTGCAGCACAGAAGGAGCTTCCGTGGATCAATTCATGCTGA[T>C]GGATAATTCCACCACCGATTCCTACAGCGAGGGATAGAAATCACTGAGGGTGCTTTACCT-3'
Protein context (NP_005467.1, residues 542-562): TGTGIGGGII[His552Arg]QHELIHGSSF